The following is an entry in ClinVar:

ClinVar aggregate classification (germline): Uncertain significance. Review status: criteria provided, multiple submitters, no conflicts (2 of 4 stars). 3 submissions from 3 submitters: Uncertain significance (3). Last evaluated 2024-10-22.

Conditions:
Bone marrow failure syndrome 3 (BMFS3). Identifiers: MedGen C4310744, MONDO:0014887, OMIM 617052.
Inborn genetic diseases. Identifiers: MedGen C0950123, MeSH D030342.

Allele frequency attached by ClinVar (database versions not stated): gnomAD 0.00002 and 0.00003; ExAC 0.00004; gnomAD exomes 0.00004; TOPMed 0.00004.
gnomAD v4.1: 74 of 1,614,070 alleles (0.0046%); highest among the groups gnomAD compares: Middle Eastern, 0.36%; no homozygotes.

Submissions (3):

Labcorp Genetics (formerly Invitae), Labcorp
Classification: Uncertain significance. Last evaluated: 2024-10-22. Review status: criteria provided, single submitter. Criteria: Invitae Variant Classification Sherloc (09022015). Collection method: clinical testing. Allele origin: germline.
Comment: This sequence change replaces serine, which is neutral and polar, with glycine, which is neutral and non-polar, at codon 85 of the DNAJC21 protein (p.Ser85Gly). This variant is present in population databases (rs765760154, gnomAD 0.007%). This missense change has been observed in individual(s) with cytopenia (PMID: 37216690). ClinVar contains an entry for this variant (Variation ID: 1372084). An algorithm developed to predict the effect of missense changes on protein structure and function (PolyPhen-2) suggests that this variant is likely to be disruptive. In summary, the available evidence is currently insufficient to determine the role of this variant in disease. Therefore, it has been classified as a Variant of Uncertain Significance.

Fulgent Genetics
Classification: Uncertain significance for Bone marrow failure syndrome 3. Last evaluated: 2024-06-04. Review status: criteria provided, single submitter. Criteria: ACMG Guidelines, 2015. Collection method: clinical testing. Allele origin: germline.

Ambry Genetics
Classification: Uncertain significance for Inborn genetic diseases. Last evaluated: 2022-12-21. Review status: criteria provided, single submitter. Criteria: Ambry Variant Classification Scheme 2023. Collection method: clinical testing. Allele origin: germline.

Literature cited by the submitters: PubMed 37216690 (cited by Labcorp Genetics (formerly Invitae), Labcorp).

NM_001012339.3(DNAJC21):c.253A>G (p.Ser85Gly)

Gene: DNAJC21 (DnaJ heat shock protein family (Hsp40) member C21; plus strand). Cytogenetic location: 5p13.2.
Variant type: single nucleotide variant.
Coding change: c.253A>G on transcript NM_001012339.3 (MANE Select); coding-DNA position 253, A replaced by G.
Protein change: p.Ser85Gly; replaces serine 85 with glycine.
Molecular consequence: missense variant.
Genome position (GRCh38, 1-based): chr5:34,935,771, A>G. VCF-style: chr5-34935771-A-G. GRCh37 (hg19) VCF-style: chr5-34935876-A-G.
Other names: c.253A>G, p.Ser85Gly (NM_001348420.2, NM_194283.4); c.253A>G (NM_194283.3); short protein forms S85G.
Identifiers: ClinVar variation 1372084 (VCV001372084.8), dbSNP rs765760154, ClinGen allele CA3228387.